The following is an entry in ClinVar:

ClinVar aggregate classification (germline): Uncertain significance. Review status: criteria provided, multiple submitters, no conflicts (2 of 4 stars). 2 submissions from 2 submitters: Uncertain significance (2). Last evaluated 2021-11-01.

Allele frequency attached by ClinVar (database versions not stated): ExAC 0.00001; gnomAD 0.00001; TOPMed 0.00001; gnomAD exomes 0.00002.
gnomAD v4.1: 24 of 1,611,928 alleles (0.0015%); highest among the groups gnomAD compares: Non-Finnish European, 0.0017%; no homozygotes.

Submissions (2):

CeGaT Center for Human Genetics Tuebingen
Classification: Uncertain significance. Last evaluated: 2021-11-01. Review status: criteria provided, single submitter. Criteria: CeGaT Center For Human Genetics Tuebingen Variant Classification Criteria Version 2. Collection method: clinical testing. Allele origin: germline. Affected: yes. Observed: 1 variant allele.

GeneDx
Classification: Uncertain significance. Last evaluated: 2019-12-31. Review status: criteria provided, single submitter. Criteria: GeneDx Variant Classification Process June 2021. Collection method: clinical testing. Allele origin: germline. Affected: yes.
Comment: Not observed at a significant frequency in large population cohorts (Lek et al., 2016); In silico analysis, which includes protein predictors and evolutionary conservation, supports a deleterious effect; Has not been previously published as pathogenic or benign to our knowledge

NM_003560.4(PLA2G6):c.1423C>T (p.Arg475Trp)

Gene: PLA2G6 (phospholipase A2 group VI; minus strand). Cytogenetic location: 22q13.1.
Variant type: single nucleotide variant.
Coding change: c.1423C>T on transcript NM_003560.4 (MANE Select); coding-DNA position 1423, C replaced by T.
Protein change: p.Arg475Trp; replaces arginine 475 with tryptophan.
Molecular consequence: missense variant.
Genome position (GRCh38, 1-based): chr22:38,126,375, G>A on the plus strand (C>T on the coding strand, the complement: PLA2G6 is on the minus strand). VCF-style: chr22-38126375-G-A. GRCh37 (hg19) VCF-style: chr22-38522382-G-A.
Other names: c.1261C>T, p.Arg421Trp (NM_001004426.3, NM_001199562.3, NM_001349865.2 and 1 more transcripts); c.1423C>T, p.Arg475Trp (NM_001349864.2); c.889C>T, p.Arg297Trp (NM_001349867.2); c.745C>T, p.Arg249Trp (NM_001349868.2); c.727C>T, p.Arg243Trp (NM_001349869.2); short protein forms R243W, R249W, R297W, R421W, R475W.
Identifiers: ClinVar variation 1311543 (VCV001311543.37), dbSNP rs755845373, ClinGen allele CA10230874.
Genomic context (GRCh38, chr22:38,126,375, plus strand): 5'-GAGGGGCAGGAAAGCGCACACGTTCCCCGCTCTGCCCCCGATCTCGATCCACTTACGTCC[G>A]CTTCTCGTCCCTCATGGAGCCCAGGATGAACGCTGGCTTCCGGGCCCGTGAGATGTGCAT-3'
Protein context (NP_003551.2, residues 465-485): FILGSMRDEK[Arg475Trp]THDHLLCLDG